The following is an entry in ClinVar:

ClinVar aggregate classification (germline): Uncertain significance (1 of 4 stars; one submission).

Conditions:
DiGeorge syndrome. Also called: THIRD AND FOURTH PHARYNGEAL POUCH SYNDROME; Catch22. Identifiers: Orphanet 567, MedGen C0012236, MONDO:0008564, OMIM 188400.

Allele frequency attached by ClinVar (database versions not stated): gnomAD exomes below 0.00001; ExAC 0.00001.

Submission:

Labcorp Genetics (formerly Invitae), Labcorp
Classification: Uncertain significance for DiGeorge syndrome. Last evaluated: 2021-02-14. Review status: criteria provided, single submitter. Criteria: Invitae Variant Classification Sherloc (09022015). Collection method: clinical testing. Allele origin: germline.
Comment: In summary, the available evidence is currently insufficient to determine the role of this variant in disease. Therefore, it has been classified as a Variant of Uncertain Significance. Nucleotide substitutions within the consensus splice site are a relatively common cause of aberrant splicing (PMID: 17576681, 9536098). Algorithms developed to predict the effect of sequence changes on RNA splicing suggest that this variant is not likely to affect RNA splicing, but this prediction has not been confirmed by published transcriptional studies. This variant has not been reported in the literature in individuals with TBX1-related conditions. This variant is present in population databases (rs759797253, ExAC 0.01%). This sequence change falls in intron 3 of the TBX1 gene. It does not directly change the encoded amino acid sequence of the TBX1 protein. It affects a nucleotide within the consensus splice site of the intron.

Literature cited by the submitters: PubMed 17576681; PubMed 9536098.

NM_001379200.1(TBX1):c.437+3C>G

Gene: TBX1 (T-box transcription factor 1; plus strand). Cytogenetic location: 22q11.21.
Variant type: single nucleotide variant.
Coding change: c.437+3C>G on transcript NM_001379200.1 (MANE Select); 3 bases into the intron after coding-DNA position 437, C replaced by G.
Molecular consequence: intron variant.
Genome position (GRCh38, 1-based): chr22:19,761,283, C>G. VCF-style: chr22-19761283-C-G. GRCh37 (hg19) VCF-style: chr22-19748806-C-G.
Other names: c.410+3C>G (NM_005992.1, NM_080646.2, NM_080647.1).
Identifiers: ClinVar variation 1426201 (VCV001426201.6), dbSNP rs759797253, ClinGen allele CA10102415.